The following is an entry in ClinVar:

NC_000016.9:g.(?_89576878)_(89577020_?)del

Gene: SPG7 (SPG7 matrix AAA peptidase subunit, paraplegin; plus strand). Cytogenetic location: 16q24.3.
Variant type: Deletion.
Identifiers: ClinVar variation 3243425 (VCV003243425.1).

ClinVar aggregate classification (germline): Pathogenic (1 of 4 stars; one submission).

Conditions:
Hereditary spastic paraplegia 7 (SPG7). Also called: Autosomal recessive spastic paraplegia type 7; SPASTIC PARAPLEGIA 7, AUTOSOMAL RECESSIVE, WITH OR WITHOUT CEREBELLAR ATAXIA; Spastic paraplegia 7; Hereditary spastic paraplegia Paraplegin type; SPG7-related neurologic disorder. Identifiers: Orphanet 99013, MedGen C1846564, MONDO:0011803, OMIM 607259.

Submission:

Labcorp Genetics (formerly Invitae), Labcorp
Classification: Pathogenic for Hereditary spastic paraplegia 7. Last evaluated: 2023-06-17. Review status: criteria provided, single submitter. Criteria: Invitae Variant Classification Sherloc (09022015). Collection method: clinical testing. Allele origin: unknown.
Comment: For these reasons, this variant has been classified as Pathogenic. A similar copy number variant has been observed in individual(s) with autosomal recessive hereditary spastic paraplegia 7 (PMID: 32161564). This variant is a gross deletion of the genomic region encompassing exon(s) 2 of the SPG7 gene. This deletion is out-of-frame, and is expected to create a premature termination codon and result in an absent or disrupted protein product. Loss-of-function variants in SPG7 are known to be pathogenic (PMID: 21623769, 22964162).

Literature cited by the submitters: PubMed 32161564; PubMed 21623769; PubMed 22964162.